The following is an entry in ClinVar:

ClinVar aggregate classification (germline): Uncertain significance (1 of 4 stars; one submission).

Allele frequency attached by ClinVar (database versions not stated): gnomAD exomes 0.00001.
gnomAD v4.1: 7 of 1,613,298 alleles (0.00043%); highest among the groups gnomAD compares: Middle Eastern, 0.017%; no homozygotes.

Submission:

Labcorp Genetics (formerly Invitae), Labcorp
Classification: Uncertain significance. Last evaluated: 2023-09-10. Review status: criteria provided, single submitter. Criteria: Invitae Variant Classification Sherloc (09022015). Collection method: clinical testing. Allele origin: germline.
Comment: In summary, the available evidence is currently insufficient to determine the role of this variant in disease. Therefore, it has been classified as a Variant of Uncertain Significance. Advanced modeling of protein sequence and biophysical properties (such as structural, functional, and spatial information, amino acid conservation, physicochemical variation, residue mobility, and thermodynamic stability) performed at Invitae indicates that this missense variant is not expected to disrupt SNRNP200 protein function. This variant has not been reported in the literature in individuals affected with SNRNP200-related conditions. This variant is not present in population databases (gnomAD no frequency). This sequence change replaces isoleucine, which is neutral and non-polar, with valine, which is neutral and non-polar, at codon 1046 of the SNRNP200 protein (p.Ile1046Val).

NM_014014.5(SNRNP200):c.3136A>G (p.Ile1046Val)

Gene: SNRNP200 (small nuclear ribonucleoprotein U5 subunit 200; minus strand). Cytogenetic location: 2q11.2.
Variant type: single nucleotide variant.
Coding change: c.3136A>G on transcript NM_014014.5 (MANE Select); coding-DNA position 3136, A replaced by G.
Protein change: p.Ile1046Val; replaces isoleucine 1046 with valine.
Molecular consequence: missense variant.
Genome position (GRCh38, 1-based): chr2:96,289,075, T>C on the plus strand (A>G on the coding strand, the complement: SNRNP200 is on the minus strand). VCF-style: chr2-96289075-T-C. GRCh37 (hg19) VCF-style: chr2-96954813-T-C.
Other names: short protein forms I1046V.
Identifiers: ClinVar variation 2872651 (VCV002872651.3), dbSNP rs2467333089, ClinGen allele CA347673854.